The following is an entry in ClinVar:

ClinVar aggregate classification (germline): Uncertain significance. Review status: criteria provided, multiple submitters, no conflicts (2 of 4 stars). 2 submissions from 2 submitters: Uncertain significance (2). Last evaluated 2022-05-05.

Conditions:
Inborn genetic diseases. Identifiers: MedGen C0950123, MeSH D030342.
Mosaic variegated aneuploidy syndrome 1 (MVA1). Also called: Warburton-Anyane-Yeboa syndrome. Identifiers: Orphanet 1052, MedGen C1850343, MONDO:0009759, OMIM 257300.

gnomAD v4.1: 1 of 1,614,146 alleles (0.000062%); highest among the groups gnomAD compares: Non-Finnish European, 0.000085%; no homozygotes.

Submissions (2):

Ambry Genetics
Classification: Uncertain significance for Inborn genetic diseases. Last evaluated: 2022-05-05. Review status: criteria provided, single submitter. Criteria: Ambry Variant Classification Scheme 2023. Collection method: clinical testing. Allele origin: germline.
Comment: The p.S140R variant (also known as c.418A>C), located in coding exon 5 of the BUB1B gene, results from an A to C substitution at nucleotide position 418. The serine at codon 140 is replaced by arginine, an amino acid with dissimilar properties. This amino acid position is conserved. In addition, this alteration is predicted to be tolerated by in silico analysis. Since supporting evidence is limited at this time, the clinical significance of this alteration remains unclear.

Labcorp Genetics (formerly Invitae), Labcorp
Classification: Uncertain significance for Mosaic variegated aneuploidy syndrome 1. Last evaluated: 2020-02-06. Review status: criteria provided, single submitter. Criteria: Invitae Variant Classification Sherloc (09022015). Collection method: clinical testing. Allele origin: germline.
Comment: This sequence change replaces serine with arginine at codon 140 of the BUB1B protein (p.Ser140Arg). The serine residue is moderately conserved and there is a moderate physicochemical difference between serine and arginine. This variant is not present in population databases (ExAC no frequency). In summary, the available evidence is currently insufficient to determine the role of this variant in disease. Therefore, it has been classified as a Variant of Uncertain Significance. Algorithms developed to predict the effect of missense changes on protein structure and function are either unavailable or do not agree on the potential impact of this missense change (SIFT: "Tolerated"; PolyPhen-2: "Possibly Damaging"; Align-GVGD: "Class C0"). This variant has not been reported in the literature in individuals with BUB1B-related conditions.

NM_001211.6(BUB1B):c.418A>C (p.Ser140Arg)

Gene: BUB1B (BUB1 mitotic checkpoint serine/threonine kinase B; plus strand). Cytogenetic location: 15q15.1.
Variant type: single nucleotide variant.
Coding change: c.418A>C on transcript NM_001211.6 (MANE Select); coding-DNA position 418, A replaced by C.
Protein change: p.Ser140Arg; replaces serine 140 with arginine.
Molecular consequence: missense variant.
Genome position (GRCh38, 1-based): chr15:40,176,510, A>C. VCF-style: chr15-40176510-A-C. GRCh37 (hg19) VCF-style: chr15-40468711-A-C.
Other names: short protein forms S140R.
Identifiers: ClinVar variation 1023315 (VCV001023315.12), dbSNP rs2037225300, ClinGen allele CA391681110.